The following is an entry in ClinVar:

ClinVar aggregate classification (germline): Conflicting classifications of pathogenicity. Review status: criteria provided, conflicting classifications (1 of 4 stars). 10 submissions from 10 submitters: Uncertain significance (8); Likely benign (1). 1 of the submissions does not count toward it. Last evaluated 2026-01-19.

Conditions:
Familial cancer of breast. Also called: Hereditary breast cancer; BREAST CANCER, FAMILIAL; hereditary breast carcinoma. Identifiers: Orphanet 227535, MedGen C0346153, MONDO:0016419, OMIM 114480. Disease mechanism: loss of function.
BARD1-related cancer predisposition. Identifiers: MedGen CN377756, MONDO:0700267.
BARD1-related disorder. Also called: BARD1-related condition.
Hereditary cancer-predisposing syndrome. Also called: Neoplastic Syndromes, Hereditary; Hereditary neoplastic syndrome; Tumor predisposition; Hereditary Cancer Syndrome. Identifiers: Orphanet 140162, MedGen C0027672, MeSH D009386, MONDO:0015356.

Allele frequency attached by ClinVar (database versions not stated): gnomAD 0.00001; gnomAD exomes 0.00001 and 0.00002; ExAC 0.00002; TOPMed 0.00002.
gnomAD v4.1: 17 of 1,613,882 alleles (0.0011%); highest among the groups gnomAD compares: East Asian, 0.0022%; no homozygotes.

Submissions (10):

Labcorp Genetics (formerly Invitae), Labcorp
Classification: Uncertain significance for Familial cancer of breast. Last evaluated: 2026-01-19. Review status: criteria provided, single submitter. Criteria: Invitae Variant Classification Sherloc (09022015). Collection method: clinical testing. Allele origin: germline.
Comment: This sequence change replaces arginine, which is basic and polar, with histidine, which is basic and polar, at codon 322 of the BARD1 protein (p.Arg322His). This variant is present in population databases (rs774251286, gnomAD 0.006%). This variant has not been reported in the literature in individuals affected with BARD1-related conditions. ClinVar contains an entry for this variant (Variation ID: 406746). An algorithm developed to predict the effect of missense changes on protein structure and function outputs the following: PolyPhen-2: "Benign". The histidine amino acid residue is found in multiple mammalian species, which suggests that this missense change does not adversely affect protein function. Experimental studies have shown that this missense change does not substantially affect BARD1 function (PMID: 30925164). In summary, the available evidence is currently insufficient to determine the role of this variant in disease. Therefore, it has been classified as a Variant of Uncertain Significance.

Molecular Pathology, Peter Maccallum Cancer Centre
Classification: Uncertain significance for BARD1-related cancer predisposition. Last evaluated: 2025-04-01. Review status: criteria provided, single submitter. Criteria: ACMG Guidelines, 2015. Collection method: clinical testing. Allele origin: germline. Inheritance: Autosomal dominant inheritance.

Color Diagnostics, LLC DBA Color Health
Classification: Uncertain significance for Hereditary cancer-predisposing syndrome. Last evaluated: 2025-03-04. Review status: criteria provided, single submitter. Criteria: ACMG Guidelines, 2015. Collection method: clinical testing. Allele origin: germline.
Comment: This missense variant replaces arginine with histidine at codon 322 of the BARD1 protein. Computational prediction suggests that this variant may not impact protein structure and function. Functional studies have shown that this variant performed like wild-type in a homology directed repair (HDR) assay (PMID: 30925164). To our knowledge, this variant has not been reported in individuals affected with hereditary cancer in the literature. This variant has been identified in 4/250946 chromosomes in the general population by the Genome Aggregation Database (gnomAD). The available evidence is insufficient to determine the role of this variant in disease conclusively. Therefore, this variant is classified as a Variant of Uncertain Significance.

Baylor Genetics
Classification: Uncertain significance for Familial cancer of breast. Last evaluated: 2024-03-24. Review status: criteria provided, single submitter. Criteria: ACMG Guidelines, 2015. Collection method: clinical testing. Allele origin: unknown.

GeneDx
Classification: Uncertain significance. Last evaluated: 2023-07-31. Review status: criteria provided, single submitter. Criteria: GeneDx Variant Classification Process June 2021. Collection method: clinical testing. Allele origin: germline. Affected: yes.
Comment: Not observed at significant frequency in large population cohorts (gnomAD); In silico analysis supports that this missense variant does not alter protein structure/function; Published functional studies suggest no damaging effect: homology-directed repair (HDR) activity similar to wild type (Adamovich et al., 2019); This variant is associated with the following publications: (PMID: 30925164, 24413733)

MGZ Medical Genetics Center
Classification: Uncertain significance for Familial cancer of breast. Last evaluated: 2022-08-24. Review status: criteria provided, single submitter. Criteria: ACMG Guidelines, 2015. Collection method: clinical testing. Allele origin: germline. Affected: yes. Observed: 1 variant allele.
Comment: ACMG criteria applied: PM2_SUP, BP4

Ambry Genetics
Classification: Likely benign for Hereditary cancer-predisposing syndrome. Last evaluated: 2021-03-15. Review status: criteria provided, single submitter. Criteria: Ambry Variant Classification Scheme 2023. Collection method: clinical testing. Allele origin: germline.

CeGaT Center for Human Genetics Tuebingen
Classification: Uncertain significance. Last evaluated: 2019-02-01. Review status: criteria provided, single submitter. Criteria: CeGaT Center For Human Genetics Tuebingen Variant Classification Criteria Version 2. Collection method: clinical testing. Allele origin: germline. Affected: yes. Observed: 1 variant allele.

Women's Health and Genetics/Laboratory Corporation of America, LabCorp
Classification: Uncertain significance. Last evaluated: 2018-12-26. Review status: criteria provided, single submitter. Criteria: LabCorp Variant Classification Summary - May 2015. Collection method: clinical testing. Allele origin: germline.
Comment: Variant summary: BARD1 c.965G>A (p.Arg322His) results in a non-conservative amino acid change in the encoded protein sequence. Three of five in-silico tools predict a benign effect of the variant on protein function. The variant allele was found at a frequency of 1.2e-05 in 245844 control chromosomes (gnomAD). The available data on variant occurrences in the general population are insufficient to allow any conclusion about variant significance. To our knowledge, no occurrence of c.965G>A in individuals affected with Hereditary Breast and Ovarian Cancer and no experimental evidence demonstrating its impact on protein function have been reported. Four ClinVar submissions from clinical diagnostic laboratories (evaluation after 2014) cite the variant as uncertain significance. Based on the evidence outlined above, the variant was classified as uncertain significance.

PreventionGenetics, part of Exact Sciences
Classification: Uncertain significance for BARD1-related condition. Last evaluated: 2024-04-17. Review status: no assertion criteria provided. Collection method: clinical testing. Allele origin: germline. Not counted in ClinVar's aggregate classification.
Comment: The BARD1 c.965G>A variant is predicted to result in the amino acid substitution p.Arg322His. This variant has not been reported in individuals with BARD1-related disorder and the functional study has shown that this variant does not affect BARD1 function (Adamovich et al. 2019. PubMed ID: 30925164. Table S1). This variant is reported in 0.0054% of alleles in individuals of East Asian descent in gnomAD. At this time, the clinical significance of this variant is uncertain due to the absence of conclusive functional and genetic evidence.

Literature cited by the submitters: PubMed 30925164 (cited by 3 submitters).

NM_000465.4(BARD1):c.965G>A (p.Arg322His)

Gene: BARD1 (BRCA1 associated RING domain 1; minus strand). Cytogenetic location: 2q35.
Variant type: single nucleotide variant.
Coding change: c.965G>A on transcript NM_000465.4 (MANE Select); coding-DNA position 965, G replaced by A.
Protein change: p.Arg322His; replaces arginine 322 with histidine.
Molecular consequence: missense variant. On other transcripts: non-coding transcript variant (2), intron variant (3).
Genome position (GRCh38, 1-based): chr2:214,780,909, C>T on the plus strand (G>A on the coding strand, the complement: BARD1 is on the minus strand). VCF-style: chr2-214780909-C-T. GRCh37 (hg19) VCF-style: chr2-215645633-C-T.
Other names: c.908G>A, p.Arg303His (NM_001282543.2); c.159-28354G>A (NM_001282548.2); c.215+16152G>A (NM_001282545.2); c.364+11388G>A (NM_001282549.2); short protein forms R322H, R303H.
Identifiers: ClinVar variation 406746 (VCV000406746.65), dbSNP rs774251286, ClinGen allele CA2090356.